The following is an entry in ClinVar:

ClinVar aggregate classification (germline): Uncertain significance (1 of 4 stars; one submission).

Conditions:
Familial cancer of breast. Also called: Hereditary breast cancer; BREAST CANCER, FAMILIAL; hereditary breast carcinoma. Identifiers: Orphanet 227535, MedGen C0346153, MONDO:0016419, OMIM 114480. Disease mechanism: loss of function.

Submission:

Labcorp Genetics (formerly Invitae), Labcorp
Classification: Uncertain significance for Familial cancer of breast. Last evaluated: 2023-12-25. Review status: criteria provided, single submitter. Criteria: Invitae Variant Classification Sherloc (09022015). Collection method: clinical testing. Allele origin: germline.
Comment: This sequence change replaces serine, which is neutral and polar, with tyrosine, which is neutral and polar, at codon 202 of the BARD1 protein (p.Ser202Tyr). This variant is not present in population databases (gnomAD no frequency). This variant has not been reported in the literature in individuals affected with BARD1-related conditions. An algorithm developed to predict the effect of missense changes on protein structure and function (PolyPhen-2) suggests that this variant is likely to be disruptive. In summary, the available evidence is currently insufficient to determine the role of this variant in disease. Therefore, it has been classified as a Variant of Uncertain Significance.

NM_000465.4(BARD1):c.605C>A (p.Ser202Tyr)

Gene: BARD1 (BRCA1 associated RING domain 1; minus strand). Cytogenetic location: 2q35.
Variant type: single nucleotide variant.
Coding change: c.605C>A on transcript NM_000465.4 (MANE Select); coding-DNA position 605, C replaced by A.
Protein change: p.Ser202Tyr; replaces serine 202 with tyrosine.
Molecular consequence: missense variant. On other transcripts: non-coding transcript variant (2), intron variant (3).
Genome position (GRCh38, 1-based): chr2:214,781,269, G>T on the plus strand (C>A on the coding strand, the complement: BARD1 is on the minus strand). VCF-style: chr2-214781269-G-T. GRCh37 (hg19) VCF-style: chr2-215645993-G-T.
Other names: c.548C>A, p.Ser183Tyr (NM_001282543.2); c.158+28143C>A (NM_001282548.2); c.215+15792C>A (NM_001282545.2); c.364+11028C>A (NM_001282549.2); short protein forms S183Y, S202Y.
Identifiers: ClinVar variation 2705522 (VCV002705522.3), dbSNP rs1018602332, ClinGen allele CA350456740.